The following is an entry in ClinVar:

NM_000238.4(KCNH2):c.1689G>A (p.Trp563Ter)

Gene: KCNH2 (potassium voltage-gated channel subfamily H member 2; minus strand). Cytogenetic location: 7q36.1.
Variant type: single nucleotide variant.
Coding change: c.1689G>A on transcript NM_000238.4 (MANE Select); coding-DNA position 1689, G replaced by A.
Protein change: p.Trp563Ter; replaces tryptophan 563 with a stop codon.
Molecular consequence: nonsense.
Genome position (GRCh38, 1-based): chr7:150,951,704, C>T on the plus strand (G>A on the coding strand, the complement: KCNH2 is on the minus strand). VCF-style: chr7-150951704-C-T. GRCh37 (hg19) VCF-style: chr7-150648792-C-T.
Other names: c.1512G>A, p.Trp504Ter (NM_001406755.1); c.1401G>A, p.Trp467Ter (NM_001406756.1, NM_001406753.1); c.1389G>A, p.Trp463Ter (NM_001406757.1); c.1689G>A, p.Trp563Ter (NM_172056.3); c.669G>A, p.Trp223Ter (NM_172057.3, NM_001204798.2); short protein forms W563*, W223*, W463*, W467*, W504*.
Identifiers: ClinVar variation 526968 (VCV000526968.7), dbSNP rs199473517, ClinGen allele CA369858778.

ClinVar aggregate classification (germline): Pathogenic. Review status: criteria provided, multiple submitters, no conflicts (2 of 4 stars). 2 submissions from 2 submitters: Pathogenic (2). Last evaluated 2018-06-06.

Conditions:
Long QT syndrome (LQTS). Identifiers: MedGen C0023976, MeSH D008133, MONDO:0002442. Disease mechanism: loss of function. Inheritance: Various modes of inheritance.

Submissions (2):

GeneDx
Classification: Pathogenic. Last evaluated: 2018-06-06. Review status: criteria provided, single submitter. Criteria: GeneDx Variant Classification (06012015). Collection method: clinical testing. Allele origin: germline. Affected: yes.
Comment: The W563X variant in the KCNH2 gene has been reported in one family with LQTS (Itoh et al., 2016). The W563X variant is predicted to cause loss of normal protein function either by protein truncation or nonsense-mediated mRNA decay. Other nonsense variants in the KCNH2 gene have been reported in Human Gene Mutation Database in association with LQTS (Stenson et al., 2014). Furthermore, the W563X variant is not observed in large population cohorts (Lek et al., 2016). In summary, W563X in the KCNH2 gene is interpreted as a pathogenic variant.

Labcorp Genetics (formerly Invitae), Labcorp
Classification: Pathogenic for Long QT syndrome. Last evaluated: 2017-10-05. Review status: criteria provided, single submitter. Criteria: Invitae Variant Classification Sherloc (09022015). Collection method: clinical testing. Allele origin: germline.
Comment: This variant has not been reported in the literature in individuals with KCNH2-related disease. This sequence change creates a premature translational stop signal (p.Trp563*) in the KCNH2 gene. It is expected to result in an absent or disrupted protein product. This variant is not present in population databases (ExAC no frequency). Loss-of-function variants in KCNH2 are known to be pathogenic (PMID: 19862833). For these reasons, this variant has been classified as Pathogenic.

Literature cited by the submitters: PubMed 19862833 (cited by Labcorp Genetics (formerly Invitae), Labcorp).